The following is an entry in ClinVar:

NM_022114.4(PRDM16):c.439-140C>G

Gene: PRDM16 (PR/SET domain 16; plus strand). Cytogenetic location: 1p36.32.
Variant type: single nucleotide variant.
Coding change: c.439-140C>G on transcript NM_022114.4 (MANE Select); 140 bases into the intron before coding-DNA position 439, C replaced by G.
Molecular consequence: intron variant.
Genome position (GRCh38, 1-based): chr1:3,385,012, C>G. VCF-style: chr1-3385012-C-G. GRCh37 (hg19) VCF-style: chr1-3301576-C-G.
Other names: c.439-140C>G (NM_199454.3).
Identifiers: ClinVar variation 679506 (VCV000679506.1), dbSNP rs113915415, ClinGen allele CA17000109.

ClinVar aggregate classification (germline): Likely benign (1 of 4 stars; one submission).

Allele frequency attached by ClinVar (database versions not stated): 1000 Genomes Project 0.01258; TOPMed 0.01277; 1000 Genomes Project 30x 0.01327.
gnomAD v4.1: 2,924 of 1,029,412 alleles (0.28%); highest among the groups gnomAD compares: African/African-American, 4%; 58 homozygotes.

Submission:

GeneDx
Classification: Likely benign. Last evaluated: 2018-06-16. Review status: criteria provided, single submitter. Criteria: GeneDx Variant Classification (06012015). Collection method: clinical testing. Allele origin: germline. Affected: yes.
Comment: This variant is considered likely benign or benign based on one or more of the following criteria: it is a conservative change, it occurs at a poorly conserved position in the protein, it is predicted to be benign by multiple in silico algorithms, and/or has population frequency not consistent with disease.